The following is an entry in ClinVar:

NM_133459.4(CCBE1):c.265+28G>C

Gene: CCBE1 (collagen and calcium binding EGF domains 1; minus strand). Cytogenetic location: 18q21.32.
Variant type: single nucleotide variant.
Coding change: c.265+28G>C on transcript NM_133459.4 (MANE Select); 28 bases into the intron after coding-DNA position 265, G replaced by C.
Molecular consequence: intron variant.
Genome position (GRCh38, 1-based): chr18:59,480,158, C>G on the plus strand (G>C on the coding strand, the complement: CCBE1 is on the minus strand). VCF-style: chr18-59480158-C-G. GRCh37 (hg19) VCF-style: chr18-57147390-C-G.
Other names: c.265+28G>C (LRG_1209t1).
Identifiers: ClinVar variation 262351 (VCV000262351.6), dbSNP rs1790508, ClinGen allele CA8980573.

ClinVar aggregate classification (germline): Benign. Review status: criteria provided, multiple submitters, no conflicts (2 of 4 stars). 4 submissions from 4 submitters: Benign (4). Last evaluated 2024-01-24.

Allele frequency attached by ClinVar (database versions not stated): ESP Exome Variant Server 0.62340; ExAC 0.63986; gnomAD exomes 0.64464; gnomAD 0.65581 and 0.65649; TOPMed 0.67394; 1000 Genomes Project 30x 0.70518; 1000 Genomes Project 0.71166.
gnomAD v4.1: 855,664 of 1,389,622 alleles (62%); highest among the groups gnomAD compares: East Asian, 83%; 266,523 homozygotes.

Submissions (4):

Unidad de Genómica Garrahan, Hospital de Pediatría Garrahan
Classification: Benign. Last evaluated: 2024-01-24. Review status: criteria provided, single submitter. Criteria: ACMG Guidelines, 2015. Collection method: clinical testing. Allele origin: germline. Affected: no. Observed: 82 variant alleles.
Comment: This variant is classified as Benign based on local population frequency. This variant was detected in 86% of patients studied by a panel of primary immunodeficiencies. Number of patients: 82. Only high quality variants are reported.

GeneDx
Classification: Benign. Last evaluated: 2018-11-10. Review status: criteria provided, single submitter. Criteria: GeneDx Variant Classification Process June 2021. Collection method: clinical testing. Allele origin: germline. Affected: yes.

Breakthrough Genomics
Classification: Benign. Review status: criteria provided, single submitter. Criteria: ACMG Guidelines, 2015. Collection method: not provided. Allele origin: germline. Inheritance: Autosomal recessive inheritance. Affected: yes.

PreventionGenetics, part of Exact Sciences
Classification: Benign. Review status: criteria provided, single submitter. Criteria: ACMG Guidelines, 2015. Collection method: clinical testing. Allele origin: germline.